The following is an entry in ClinVar:

ClinVar aggregate classification (germline): Uncertain significance (1 of 4 stars; one submission).

Conditions:
Junctional epidermolysis bullosa. Identifiers: Orphanet 305, MedGen C0079301, MONDO:0017612.

Submission:

Myriad Genetics, Inc.
Classification: Uncertain significance for Junctional epidermolysis bullosa. Last evaluated: 2025-09-24. Review status: criteria provided, single submitter. Criteria: Myriad Autosomal Dominant, Autosomal Recessive and X-Linked Classification Criteria (2023). Collection method: clinical testing. Allele origin: unknown.
Comment: NM_005562.2(LAMC2):c.1286-2A>G is a variant in a canonical splice site classified as a variant of uncertain significance in the context of junctional epidermolysis bullosa, LAMC2-related. c.1286-2A>G has not been observed in cases with relevant disease. Relevant functional assessments of this variant are not available in the literature. c.1286-2A>G has not been observed in referenced population frequency databases. In summary, there is insufficient evidence to classify NM_005562.2(LAMC2):c.1286-2A>G as pathogenic or benign. Please note: this variant was assessed in the context of healthy population screening.

NM_005562.3(LAMC2):c.1286-2A>G

Gene: LAMC2 (laminin subunit gamma 2; plus strand). Cytogenetic location: 1q25.3.
Variant type: single nucleotide variant.
Coding change: c.1286-2A>G on transcript NM_005562.3 (MANE Select); the canonical splice acceptor site of the intron before coding-DNA position 1286, A replaced by G.
Molecular consequence: splice acceptor variant.
Genome position (GRCh38, 1-based): chr1:183,227,513, A>G. VCF-style: chr1-183227513-A-G. GRCh37 (hg19) VCF-style: chr1-183196648-A-G.
Other names: c.1286-2A>G (NM_018891.3).
Identifiers: ClinVar variation 5004180 (VCV005004180.1).